The following is an entry in ClinVar:

ClinVar aggregate classification (germline): Uncertain significance. Review status: criteria provided, multiple submitters, no conflicts (2 of 4 stars). 2 submissions from 2 submitters: Uncertain significance (2). Last evaluated 2025-12-17.

Conditions:
Colorectal cancer, hereditary nonpolyposis, type 7. Identifiers: Orphanet 144, MedGen C1858380, MONDO:0013725, OMIM 614385.

Allele frequency attached by ClinVar (database versions not stated): ExAC 0.00002; gnomAD exomes 0.00002; gnomAD 0.00004 and 0.00005; TOPMed 0.00009; 1000 Genomes Project 0.00040; 1000 Genomes Project 30x 0.00047.
gnomAD v4.1: 22 of 1,614,140 alleles (0.0014%); highest among the groups gnomAD compares: African/African-American, 0.011%; no homozygotes.

Submissions (2):

Labcorp Genetics (formerly Invitae), Labcorp
Classification: Uncertain significance for Colorectal cancer, hereditary nonpolyposis, type 7. Last evaluated: 2025-12-17. Review status: criteria provided, single submitter. Criteria: Invitae Variant Classification Sherloc (09022015). Collection method: clinical testing. Allele origin: germline.
Comment: This sequence change replaces proline, which is neutral and non-polar, with alanine, which is neutral and non-polar, at codon 850 of the MLH3 protein (p.Pro850Ala). This variant is present in population databases (rs575583330, gnomAD 0.02%). This variant has not been reported in the literature in individuals affected with MLH3-related conditions. ClinVar contains an entry for this variant (Variation ID: 1418686). An algorithm developed to predict the effect of missense changes on protein structure and function (PolyPhen-2) suggests that this variant is likely to be disruptive. In summary, the available evidence is currently insufficient to determine the role of this variant in disease. Therefore, it has been classified as a Variant of Uncertain Significance.

Ambry Genetics
Classification: Uncertain significance. Last evaluated: 2025-10-03. Review status: criteria provided, single submitter. Criteria: Ambry Variant Classification Scheme 2023. Collection method: clinical testing. Allele origin: germline.
Comment: The p.P850A variant (also known as c.2548C>G), located in coding exon 1 of the MLH3 gene, results from a C to G substitution at nucleotide position 2548. The proline at codon 850 is replaced by alanine, an amino acid with highly similar properties. This amino acid position is highly conserved in available vertebrate species. In addition, the in silico prediction for this alteration is inconclusive. Since supporting evidence is limited at this time, the clinical significance of this alteration remains unclear.

NM_001040108.2(MLH3):c.2548C>G (p.Pro850Ala)

Gene: MLH3 (mutL homolog 3; minus strand). Cytogenetic location: 14q24.3.
Variant type: single nucleotide variant.
Coding change: c.2548C>G on transcript NM_001040108.2 (MANE Select); coding-DNA position 2548, C replaced by G.
Protein change: p.Pro850Ala; replaces proline 850 with alanine.
Molecular consequence: missense variant.
Genome position (GRCh38, 1-based): chr14:75,047,108, G>C on the plus strand (C>G on the coding strand, the complement: MLH3 is on the minus strand). VCF-style: chr14-75047108-G-C. GRCh37 (hg19) VCF-style: chr14-75513811-G-C.
Other names: c.2548C>G, p.Pro850Ala (NM_014381.3); short protein forms P850A.
Identifiers: ClinVar variation 1418686 (VCV001418686.11), dbSNP rs575583330, ClinGen allele CA7275685.
Genomic context (GRCh38, chr14:75,047,108, plus strand): 5'-ATGACTTCTCAAGGTCCAAAGGTTTTCTATTAAAGAGAGATAACTCCTTCAGGGTCATAG[G>C]ACTTTCTCTCAAACTAGGCATCTGTTGTTCTAAACAATCTTCATCCTTGGAGAATGGAAA-3'
Protein context (NP_001035197.1, residues 840-860): EQQMPSLRES[Pro850Ala]MTLKELSLFN